The following is an entry in ClinVar:

NM_001048174.2(MUTYH):c.865C>T (p.Leu289Phe)

Gene: MUTYH (mutY DNA glycosylase; minus strand). Cytogenetic location: 1p34.1.
Variant type: single nucleotide variant.
Coding change: c.865C>T on transcript NM_001048174.2 (MANE Select); coding-DNA position 865, C replaced by T.
Protein change: p.Leu289Phe; replaces leucine 289 with phenylalanine.
Molecular consequence: missense variant. On other transcripts: non-coding transcript variant (2).
Genome position (GRCh38, 1-based): chr1:45,332,071, G>A on the plus strand (C>T on the coding strand, the complement: MUTYH is on the minus strand). VCF-style: chr1-45332071-G-A. GRCh37 (hg19) VCF-style: chr1-45797743-G-A.
Other names: c.865C>T, p.Leu289Phe (NM_001048171.2, NM_001048173.2, NM_001293195.2); c.868C>T, p.Leu290Phe (NM_001048172.2); c.949C>T, p.Leu317Phe (NM_001128425.2); c.910C>T, p.Leu304Phe (NM_001293190.2); c.898C>T, p.Leu300Phe (NM_001293191.2); c.589C>T, p.Leu197Phe (NM_001293192.2, NM_001293196.2); c.520C>T, p.Leu174Phe (NM_001350650.2, NM_001350651.2); c.940C>T, p.Leu314Phe (NM_012222.3); short protein forms L289F, L314F, L290F, L174F, L304F, L197F, L300F, L317F.
Identifiers: ClinVar variation 944085 (VCV000944085.9), dbSNP rs1644995145, ClinGen allele CA340134183.

ClinVar aggregate classification (germline): Conflicting classifications of pathogenicity. Review status: criteria provided, conflicting classifications (1 of 4 stars). 2 submissions from 2 submitters: Uncertain significance (1); Benign (1). Last evaluated 2025-09-09.

Conditions:
Familial adenomatous polyposis 2. Also called: Adenomas, multiple colorectal; MUTYH Polyposis; COLORECTAL ADENOMATOUS POLYPOSIS, AUTOSOMAL RECESSIVE; ADENOMAS, MULTIPLE COLORECTAL, AUTOSOMAL RECESSIVE; MUTYH-associated polyposis; MUTYH-related attenuated familial adenomatous polyposis. Identifiers: Orphanet 220460, Orphanet 247798, MedGen C3272841, MONDO:0012041, OMIM 608456.
Hereditary cancer-predisposing syndrome. Also called: Neoplastic Syndromes, Hereditary; Tumor predisposition; Hereditary Cancer Syndrome; Hereditary neoplastic syndrome. Identifiers: Orphanet 140162, MedGen C0027672, MeSH D009386, MONDO:0015356.

Submissions (2):

Ambry Genetics
Classification: Benign for Hereditary cancer-predisposing syndrome. Last evaluated: 2025-09-09. Review status: criteria provided, single submitter. Criteria: Ambry Variant Classification Scheme 2023. Collection method: clinical testing. Allele origin: germline.

Labcorp Genetics (formerly Invitae), Labcorp
Classification: Uncertain significance for Familial adenomatous polyposis 2. Last evaluated: 2023-10-13. Review status: criteria provided, single submitter. Criteria: Invitae Variant Classification Sherloc (09022015). Collection method: clinical testing. Allele origin: germline.
Comment: This sequence change replaces leucine, which is neutral and non-polar, with phenylalanine, which is neutral and non-polar, at codon 317 of the MUTYH protein (p.Leu317Phe). This variant is not present in population databases (gnomAD no frequency). This missense change has been observed in individual(s) with clinical features of MUTYH-associated polyposis (PMID: 27829682). ClinVar contains an entry for this variant (Variation ID: 944085). An algorithm developed to predict the effect of missense changes on protein structure and function (PolyPhen-2) suggests that this variant is likely to be tolerated. In summary, the available evidence is currently insufficient to determine the role of this variant in disease. Therefore, it has been classified as a Variant of Uncertain Significance.

Literature cited by the submitters: PubMed 27829682 (cited by Ambry Genetics and Labcorp Genetics (formerly Invitae), Labcorp); PubMed 38060977 (cited by Ambry Genetics).